The following is an entry in ClinVar:

ClinVar aggregate classification (germline): Pathogenic (1 of 4 stars; one submission).

Conditions:
Hereditary breast ovarian cancer syndrome. Also called: Hereditary breast and/or ovarian cancer syndrome; BRCA1- and BRCA2-Associated Hereditary Breast and Ovarian Cancer; Hereditary breast and ovarian cancer syndrome; Hereditary breast and ovarian cancer; Hereditary breast and ovarian cancer syndrome (HBOC); Breast and ovarian cancer. Identifiers: Orphanet 145, MedGen C0677776, MeSH D061325, MONDO:0003582. Disease mechanism: loss of function.

Submissions (2):

Labcorp Genetics (formerly Invitae), Labcorp
Classification: Pathogenic for Hereditary breast and ovarian cancer syndrome. Last evaluated: 2019-01-30. Review status: criteria provided, single submitter. Criteria: Invitae Variant Classification Sherloc (09022015). Collection method: clinical testing. Allele origin: germline.
Comment: This sequence change replaces glycine with valine at codon 1738 of the BRCA1 protein (p.Gly1738Val). The glycine residue is highly conserved and there is a moderate physicochemical difference between glycine and valine. This variant is not present in population databases (ExAC no frequency). This variant has not been reported in the literature in individuals with BRCA1-related conditions. This variant has been reported to affect BRCA1 protein function (PMID: 30209399, 30257991). This variant disrupts the p.Gly1738 amino acid residue in BRCA1. Other variant(s) that disrupt this residue have been observed in individuals with BRCA1-related conditions (PMID: 17902052, 23536787, 15353005, 24010542, 17453335, 16489001, 18465347, 23113073, 21918854), suggesting that it is a clinically significant residue. As a result, variants that disrupt this residue are likely to be causative of disease. For these reasons, this variant has been classified as Pathogenic.

Brotman Baty Institute, University of Washington
No classification provided (evidence only). Condition: Breast-ovarian cancer, familial 1. Review status: no classification provided. Collection method: in vitro. Allele origin: not applicable. Functional consequence: functionally_abnormal. Not counted in ClinVar's aggregate classification.
ClinVar note: "not provided" was previously submitted as the classification for the variant. However, the classification appeared to be based only on an observation of functional data so it was converted to no classification on 2025-07-30.

Literature cited by the submitters: PubMed 23113073 (cited by Labcorp Genetics (formerly Invitae), Labcorp); PubMed 18465347 (cited by Labcorp Genetics (formerly Invitae), Labcorp); PubMed 21918854 (cited by Labcorp Genetics (formerly Invitae), Labcorp); PubMed 24010542 (cited by Labcorp Genetics (formerly Invitae), Labcorp); PubMed 15353005 (cited by Labcorp Genetics (formerly Invitae), Labcorp); PubMed 30209399 (cited by Labcorp Genetics (formerly Invitae), Labcorp); PubMed 16489001 (cited by Labcorp Genetics (formerly Invitae), Labcorp); PubMed 17902052 (cited by Labcorp Genetics (formerly Invitae), Labcorp); PubMed 30257991 (cited by Labcorp Genetics (formerly Invitae), Labcorp); PubMed 17453335 (cited by Labcorp Genetics (formerly Invitae), Labcorp); PubMed 23536787 (cited by Labcorp Genetics (formerly Invitae), Labcorp).

NM_007294.4(BRCA1):c.5213G>T (p.Gly1738Val)

Gene: BRCA1 (BRCA1 DNA repair associated; minus strand). Cytogenetic location: 17q21.31.
Variant type: single nucleotide variant.
Coding change: c.5213G>T on transcript NM_007294.4 (MANE Select); coding-DNA position 5213, G replaced by T.
Protein change: p.Gly1738Val; replaces glycine 1738 with valine.
Molecular consequence: missense variant. On other transcripts: non-coding transcript variant (1).
Genome position (GRCh38, 1-based): chr17:43,057,116, C>A on the plus strand (G>T on the coding strand, the complement: BRCA1 is on the minus strand). VCF-style: chr17-43057116-C-A. GRCh37 (hg19) VCF-style: chr17-41209133-C-A.
Other names: c.5000G>T, p.Gly1667Val (NM_001407571.1, NM_001407894.1, NM_001407908.1 and 12 more transcripts); c.5279G>T, p.Gly1760Val (NM_001407581.1, NM_001407582.1); c.5276G>T, p.Gly1759Val (NM_001407583.1, NM_001407585.1, NM_001407587.1 and 1 more transcripts); c.5273G>T, p.Gly1758Val (NM_001407590.1, NM_001407591.1); c.5213G>T, p.Gly1738Val (NM_001407593.1, NM_001407594.1, NM_001407596.1 and 7 more transcripts); c.5210G>T, p.Gly1737Val (NM_001407615.1, NM_001407616.1, NM_001407617.1 and 17 more transcripts); c.5207G>T, p.Gly1736Val (NM_001407634.1, NM_001407635.1, NM_001407636.1 and 14 more transcripts); c.5132G>T, p.Gly1711Val (NM_001407656.1, NM_001407657.1, NM_001407658.1); and 72 more; short protein forms G1691V, G1759V, G1738V, G634V, G1609V, G1648V, G1667V, G1670V.
Identifiers: ClinVar variation 845528 (VCV000845528.4), dbSNP rs80357450, ClinGen allele CA10591112.